The following is an entry in ClinVar:

NM_006516.4(SLC2A1):c.654C>G (p.Arg218=)

Gene: SLC2A1 (solute carrier family 2 member 1; minus strand). Cytogenetic location: 1p34.2.
Variant type: single nucleotide variant.
Coding change: c.654C>G on transcript NM_006516.4 (MANE Select); coding-DNA position 654, C replaced by G.
Protein change: p.Arg218=; no amino-acid change (arginine 218 retained).
Molecular consequence: synonymous variant.
Genome position (GRCh38, 1-based): chr1:42,929,898, G>C on the plus strand (C>G on the coding strand, the complement: SLC2A1 is on the minus strand). VCF-style: chr1-42929898-G-C. GRCh37 (hg19) VCF-style: chr1-43395569-G-C.
Other names: c.654C>G (NM_006516.2).
Identifiers: ClinVar variation 2202992 (VCV002202992.5), dbSNP rs1186543073, ClinGen allele CA417543523.

ClinVar aggregate classification (germline): Likely benign. Review status: criteria provided, single submitter (1 of 4 stars). 2 submissions from 2 submitters: Likely benign (1). 1 of the submissions does not count toward it. Last evaluated 2022-09-06.

Conditions:
SLC2A1-related disorder. Also called: SLC2A1-related condition; SLC2A1-related disorders.
GLUT1 deficiency syndrome 1, autosomal recessive. Identifiers: MedGen C3149117.

Allele frequency attached by ClinVar (database versions not stated): gnomAD 0.00001; gnomAD exomes 0.00001.
gnomAD v4.1: 5 of 1,614,084 alleles (0.00031%); highest among the groups gnomAD compares: Non-Finnish European, 0.00042%; no homozygotes.

Submissions (2):

Labcorp Genetics (formerly Invitae), Labcorp
Classification: Likely benign for GLUT1 deficiency syndrome 1, autosomal recessive. Last evaluated: 2022-09-06. Review status: criteria provided, single submitter. Criteria: Invitae Variant Classification Sherloc (09022015). Collection method: clinical testing. Allele origin: germline.

PreventionGenetics, part of Exact Sciences
Classification: Likely benign for SLC2A1-related condition. Last evaluated: 2024-03-14. Review status: no assertion criteria provided. Collection method: clinical testing. Allele origin: germline. Not counted in ClinVar's aggregate classification.
Comment: This variant is classified as likely benign based on ACMG/AMP sequence variant interpretation guidelines (Richards et al. 2015 PMID: 25741868, with internal and published modifications).